The following is an entry in ClinVar:

ClinVar aggregate classification (germline): Uncertain significance. Review status: criteria provided, multiple submitters, no conflicts (2 of 4 stars). 8 submissions from 8 submitters: Uncertain significance (7). 1 of the submissions does not count toward it. Last evaluated 2024-09-04.

Conditions:
Acute lymphoid leukemia (ALL). Also called: Leukemia, acute lymphoblastic, somatic; Acute lymphoblastic leukemia; Acute lymphocytic leukemia; Lymphoblastic leukemia. Identifiers: Orphanet 513, MedGen C0023449, MONDO:0004967, OMIM 613065, HP:0006721.
Aplastic anemia. Identifiers: Orphanet 182040, Orphanet 88, MedGen C0002874, MONDO:0015909, OMIM 609135, HP:0001915.
Microcephaly, normal intelligence and immunodeficiency (NBS). Also called: Nijmegen breakage syndrome; Microcephaly with normal intelligence immunodeficiency and lymphoreticular malignancies; Nonsyndromal microcephaly autosomal recessive with normal intelligence; Seemanova syndrome 2; Ataxia telangiectasia variant V1; Immunodeficiency, microcephaly with normal intelligence. Identifiers: Orphanet 647, MedGen C0398791, MONDO:0009623, OMIM 251260.
Hereditary cancer-predisposing syndrome. Also called: Neoplastic Syndromes, Hereditary; Hereditary Cancer Syndrome; Hereditary neoplastic syndrome; Tumor predisposition. Identifiers: Orphanet 140162, MedGen C0027672, MeSH D009386, MONDO:0015356.

Submissions (8):

GeneDx
Classification: Uncertain significance. Last evaluated: 2024-09-04. Review status: criteria provided, single submitter. Criteria: GeneDx Variant Classification Process June 2021. Collection method: clinical testing. Allele origin: germline. Affected: yes.
Comment: Not observed at significant frequency in large population cohorts (gnomAD); In silico analysis supports that this missense variant has a deleterious effect on protein structure/function; Has not been previously published as pathogenic or benign to our knowledge; This variant is associated with the following publications: (PMID: 24894818)

Labcorp Genetics (formerly Invitae), Labcorp
Classification: Uncertain significance for Microcephaly, normal intelligence and immunodeficiency. Last evaluated: 2024-07-29. Review status: criteria provided, single submitter. Criteria: Invitae Variant Classification Sherloc (09022015). Collection method: clinical testing. Allele origin: germline.
Comment: This sequence change replaces glycine, which is neutral and non-polar, with glutamic acid, which is acidic and polar, at codon 168 of the NBN protein (p.Gly168Glu). This variant is not present in population databases (gnomAD no frequency). This variant has not been reported in the literature in individuals affected with NBN-related conditions. ClinVar contains an entry for this variant (Variation ID: 461570). An algorithm developed to predict the effect of missense changes on protein structure and function (PolyPhen-2) suggests that this variant is likely to be tolerated. In summary, the available evidence is currently insufficient to determine the role of this variant in disease. Therefore, it has been classified as a Variant of Uncertain Significance.

Ambry Genetics
Classification: Uncertain significance for Hereditary cancer-predisposing syndrome. Last evaluated: 2024-02-28. Review status: criteria provided, single submitter. Criteria: Ambry Variant Classification Scheme 2023. Collection method: clinical testing. Allele origin: germline.
Comment: The p.G168E variant (also known as c.503G>A), located in coding exon 5 of the NBN gene, results from a G to A substitution at nucleotide position 503. The glycine at codon 168 is replaced by glutamic acid, an amino acid with similar properties. This amino acid position is well conserved in available vertebrate species. In addition, the in silico prediction for this alteration is inconclusive. Since supporting evidence is limited at this time, the clinical significance of this alteration remains unclear.

Genome-Nilou Lab
Classification: Uncertain significance for Microcephaly, normal intelligence and immunodeficiency. Last evaluated: 2021-11-07. Review status: criteria provided, single submitter. Criteria: ACMG Guidelines, 2015. Collection method: clinical testing. Allele origin: germline. Affected: no.

Women's Health and Genetics/Laboratory Corporation of America, LabCorp
Classification: Uncertain significance. Last evaluated: 2019-08-13. Review status: criteria provided, single submitter. Criteria: LabCorp Variant Classification Summary - May 2015. Collection method: clinical testing. Allele origin: germline.
Comment: Variant summary: NBN c.503G>A (p.Gly168Glu) results in a non-conservative amino acid change located in the BRCT domain (IPR036420) of the encoded protein sequence. Three of five in-silico tools predict a benign effect of the variant on protein function. The variant was absent in 251246 control chromosomes (gnomAD). The available data on variant occurrences in the general population are insufficient to allow any conclusion about variant significance. To our knowledge, no occurrence of c.503G>A in individuals affected with Nijmegen Breakage Syndrome and no experimental evidence demonstrating its impact on protein function have been reported. Two clinical diagnostic laboratories have submitted clinical-significance assessments for this variant to ClinVar after 2014 without evidence for independent evaluation, and both of them classified the variant as uncertain significance. Based on the evidence outlined above, the variant was classified as uncertain significance.

Fulgent Genetics
Classification: Uncertain significance for Microcephaly, normal intelligence and immunodeficiency; Aplastic anemia; Acute lymphoid leukemia. Last evaluated: 2018-10-31. Review status: criteria provided, single submitter. Criteria: ACMG Guidelines, 2015. Collection method: clinical testing. Allele origin: unknown.

Blueprint Genetics
Classification: Uncertain significance. Last evaluated: 2018-08-14. Review status: criteria provided, single submitter. Criteria: ACMG Guidelines, 2015. Collection method: clinical testing. Allele origin: germline.

Natera, Inc.
Classification: Uncertain significance for Nijmegen breakage syndrome. Last evaluated: 2021-03-12. Review status: no assertion criteria provided. Collection method: clinical testing. Allele origin: germline. Not counted in ClinVar's aggregate classification.

NM_002485.5(NBN):c.503G>A (p.Gly168Glu)

Gene: NBN (nibrin; minus strand). Cytogenetic location: 8q21.3.
Variant type: single nucleotide variant.
Coding change: c.503G>A on transcript NM_002485.5 (MANE Select); coding-DNA position 503, G replaced by A.
Protein change: p.Gly168Glu; replaces glycine 168 with glutamic acid.
Molecular consequence: missense variant.
Genome position (GRCh38, 1-based): chr8:89,978,301, C>T on the plus strand (G>A on the coding strand, the complement: NBN is on the minus strand). VCF-style: chr8-89978301-C-T. GRCh37 (hg19) VCF-style: chr8-90990529-C-T.
Other names: c.257G>A, p.Gly86Glu (NM_001024688.3); short protein forms G168E, G86E.
Identifiers: ClinVar variation 461570 (VCV000461570.26), dbSNP rs1554566728, ClinGen allele CA371660643.